The following is an entry in ClinVar:

ClinVar aggregate classification (germline): Uncertain significance. Review status: criteria provided, multiple submitters, no conflicts (2 of 4 stars). 3 submissions from 3 submitters: Uncertain significance (3). Last evaluated 2025-04-04.

Conditions:
Hereditary cancer-predisposing syndrome. Also called: Hereditary neoplastic syndrome; Neoplastic Syndromes, Hereditary; Hereditary Cancer Syndrome; Tumor predisposition. Identifiers: Orphanet 140162, MedGen C0027672, MeSH D009386, MONDO:0015356.
Fanconi anemia complementation group J. Also called: BRIP1-Related Fanconi Anemia. Identifiers: Orphanet 84, MedGen C1836860, MONDO:0012187, OMIM 609054.
Familial cancer of breast. Also called: BREAST CANCER, FAMILIAL; hereditary breast carcinoma; Hereditary breast cancer. Identifiers: Orphanet 227535, MedGen C0346153, MONDO:0016419, OMIM 114480. Disease mechanism: loss of function.

Submissions (3):

Labcorp Genetics (formerly Invitae), Labcorp
Classification: Uncertain significance for Familial cancer of breast; Fanconi anemia complementation group J. Last evaluated: 2025-04-04. Review status: criteria provided, single submitter. Criteria: Invitae Variant Classification Sherloc (09022015). Collection method: clinical testing. Allele origin: germline.
Comment: This sequence change replaces tyrosine, which is neutral and polar, with histidine, which is basic and polar, at codon 1011 of the BRIP1 protein (p.Tyr1011His). This variant is not present in population databases (gnomAD no frequency). This variant has not been reported in the literature in individuals affected with BRIP1-related conditions. ClinVar contains an entry for this variant (Variation ID: 569096). Invitae Evidence Modeling of protein sequence and biophysical properties (such as structural, functional, and spatial information, amino acid conservation, physicochemical variation, residue mobility, and thermodynamic stability) indicates that this missense variant is not expected to disrupt BRIP1 protein function with a negative predictive value of 95%. In summary, the available evidence is currently insufficient to determine the role of this variant in disease. Therefore, it has been classified as a Variant of Uncertain Significance.

Color Diagnostics, LLC DBA Color Health
Classification: Uncertain significance for Hereditary cancer-predisposing syndrome. Last evaluated: 2024-03-06. Review status: criteria provided, single submitter. Criteria: ACMG Guidelines, 2015. Collection method: clinical testing. Allele origin: germline.
Comment: This missense variant replaces tyrosine with histidine at codon 1011 of the BRIP1 protein. Computational prediction suggests that this variant may not impact protein structure and function (internally defined REVEL score threshold <= 0.5, PMID: 27666373). To our knowledge, functional studies have not been reported for this variant. This variant has not been reported in individuals affected with hereditary cancer in the literature. This variant has not been identified in the general population by the Genome Aggregation Database (gnomAD). The available evidence is insufficient to determine the role of this variant in disease conclusively. Therefore, this variant is classified as a Variant of Uncertain Significance.

GeneDx
Classification: Uncertain significance. Last evaluated: 2021-11-05. Review status: criteria provided, single submitter. Criteria: GeneDx Variant Classification Process June 2021. Collection method: clinical testing. Allele origin: germline. Affected: yes.
Comment: Not observed at significant frequency in large population cohorts (Lek 2016); In silico analysis supports that this missense variant does not alter protein structure/function; Has not been previously published as pathogenic or benign to our knowledge; This variant is associated with the following publications: (PMID: 11301010)

NM_032043.3(BRIP1):c.3031T>C (p.Tyr1011His)

Gene: BRIP1 (BRCA1 interacting DNA helicase 1; minus strand). Cytogenetic location: 17q23.2.
Variant type: single nucleotide variant.
Coding change: c.3031T>C on transcript NM_032043.3 (MANE Select); coding-DNA position 3031, T replaced by C.
Protein change: p.Tyr1011His; replaces tyrosine 1011 with histidine.
Molecular consequence: missense variant.
Genome position (GRCh38, 1-based): chr17:61,684,015, A>G on the plus strand (T>C on the coding strand, the complement: BRIP1 is on the minus strand). VCF-style: chr17-61684015-A-G. GRCh37 (hg19) VCF-style: chr17-59761376-A-G.
Other names: short protein forms Y1011H.
Identifiers: ClinVar variation 569096 (VCV000569096.15), dbSNP rs1567729362, ClinGen allele CA400479954.
Genomic context (GRCh38, chr17:61,684,015, plus strand): 5'-AGGCACTATTCTCTGATGACCCGAGCTCAGGTGTTGCCTTCGGTATTTTACCAGTAAAAT[A>G]CTGTCCCAAAGAATTAAAGCTTGACCAGCTAACTCTCTTTGTTTGTTTGTTGAAAGTTGG-3'
Protein context (NP_114432.2, residues 1001-1021): SWSSFNSLGQ[Tyr1011His]FTGKIPKATP